The following is an entry in ClinVar:

NM_001846.4(COL4A2):c.313G>A (p.Val105Met)

Gene: COL4A2 (collagen type IV alpha 2 chain; plus strand). Cytogenetic location: 13q34.
Variant type: single nucleotide variant.
Coding change: c.313G>A on transcript NM_001846.4 (MANE Select); coding-DNA position 313, G replaced by A.
Protein change: p.Val105Met; replaces valine 105 with methionine.
Molecular consequence: missense variant.
Genome position (GRCh38, 1-based): chr13:110,424,866, G>A. VCF-style: chr13-110424866-G-A. GRCh37 (hg19) VCF-style: chr13-111077213-G-A.
Other names: short protein forms V105M.
Identifiers: ClinVar variation 634465 (VCV000634465.9), dbSNP rs772439696, ClinGen allele CA7048828.

ClinVar aggregate classification (germline): Uncertain significance. Review status: criteria provided, multiple submitters, no conflicts (2 of 4 stars). 2 submissions from 2 submitters: Uncertain significance (2). Last evaluated 2025-08-01.

Conditions:
Brain small vessel disease 2A, autosomal dominant. Also called: Porencephaly 2. Identifiers: Orphanet 2940, Orphanet 99810, MedGen C3280970, MONDO:0013773, OMIM 614483.

Allele frequency attached by ClinVar (database versions not stated): gnomAD exomes 0.00001; TOPMed 0.00001; ExAC 0.00002.
gnomAD v4.1: 11 of 1,614,168 alleles (0.00068%); highest among the groups gnomAD compares: African/African-American, 0.0027%; no homozygotes.

Submissions (2):

Labcorp Genetics (formerly Invitae), Labcorp
Classification: Uncertain significance. Last evaluated: 2025-08-01. Review status: criteria provided, single submitter. Criteria: Invitae Variant Classification Sherloc (09022015). Collection method: clinical testing. Allele origin: germline.
Comment: This sequence change replaces valine, which is neutral and non-polar, with methionine, which is neutral and non-polar, at codon 105 of the COL4A2 protein (p.Val105Met). This variant is present in population databases (rs772439696, gnomAD 0.007%). This variant has not been reported in the literature in individuals affected with COL4A2-related conditions. ClinVar contains an entry for this variant (Variation ID: 634465). An algorithm developed to predict the effect of missense changes on protein structure and function (PolyPhen-2) suggests that this variant is likely to be disruptive. In summary, the available evidence is currently insufficient to determine the role of this variant in disease. Therefore, it has been classified as a Variant of Uncertain Significance.

Genomic Research Center, Shahid Beheshti University of Medical Sciences
Classification: Uncertain significance for Porencephaly 2. Last evaluated: 2019-01-01. Review status: criteria provided, single submitter. Criteria: ACMG Guidelines, 2015. Collection method: clinical testing. Allele origin: unknown. Affected: yes. Observed: 1 variant allele.